The following is an entry in ClinVar:

NM_003280.3(TNNC1):c.46C>G (p.Gln16Glu)

Gene: TNNC1 (troponin C1, slow skeletal and cardiac type; minus strand). Cytogenetic location: 3p21.1.
Variant type: single nucleotide variant.
Coding change: c.46C>G on transcript NM_003280.3 (MANE Select); coding-DNA position 46, C replaced by G.
Protein change: p.Gln16Glu; replaces glutamine 16 with glutamic acid.
Molecular consequence: missense variant.
Genome position (GRCh38, 1-based): chr3:52,452,492, G>C on the plus strand (C>G on the coding strand, the complement: TNNC1 is on the minus strand). VCF-style: chr3-52452492-G-C. GRCh37 (hg19) VCF-style: chr3-52486508-G-C.
Other names: short protein forms Q16E.
Identifiers: ClinVar variation 3390536 (VCV003390536.2).

ClinVar aggregate classification (germline): Uncertain significance (1 of 4 stars; one submission).

Submission:

GeneDx
Classification: Uncertain significance. Last evaluated: 2026-03-22. Review status: criteria provided, single submitter. Criteria: GeneDx Variant Classification Process June 2021. Collection method: clinical testing. Allele origin: germline.
Comment: Not observed at significant frequency in large population cohorts (gnomAD); In silico analysis suggests that this missense variant does not alter protein structure/function; Has not been previously published as pathogenic or benign to our knowledge